The following is an entry in ClinVar:

ClinVar aggregate classification (germline): Likely benign. Review status: criteria provided, single submitter (1 of 4 stars). 2 submissions from 2 submitters: Likely benign (1). 1 of the submissions does not count toward it. Last evaluated 2025-08-29.

Conditions:
Primary open angle glaucoma (POAG). Also called: OPTN-related open angle glaucoma. Identifiers: MedGen C0339573, MONDO:0100553, OMIM 137760.
Amyotrophic lateral sclerosis type 12 (ALS12). Also called: AMYOTROPHIC LATERAL SCLEROSIS 12 WITH OR WITHOUT FRONTOTEMPORAL DEMENTIA. Identifiers: Orphanet 803, MedGen C3150692, MONDO:0013264, OMIM 613435.
Glaucoma 1, open angle, E. Identifiers: MedGen C1842026, MONDO:0007665.
OPTN-related disorder. Also called: OPTN-related disorders; OPTN-related condition.

Allele frequency attached by ClinVar (database versions not stated): gnomAD exomes 0.00001.
gnomAD v4.1: 16 of 1,613,926 alleles (0.00099%); highest among the groups gnomAD compares: African/African-American, 0.0013%; no homozygotes.

Submissions (2):

Labcorp Genetics (formerly Invitae), Labcorp
Classification: Likely benign for Primary open angle glaucoma; Glaucoma 1, open angle, E; Amyotrophic lateral sclerosis type 12. Last evaluated: 2025-08-29. Review status: criteria provided, single submitter. Criteria: Invitae Variant Classification Sherloc (09022015). Collection method: clinical testing. Allele origin: germline.

PreventionGenetics, part of Exact Sciences
Classification: Likely benign for OPTN-related condition. Last evaluated: 2024-06-18. Review status: no assertion criteria provided. Collection method: clinical testing. Allele origin: germline. Not counted in ClinVar's aggregate classification.
Comment: This variant is classified as likely benign based on ACMG/AMP sequence variant interpretation guidelines (Richards et al. 2015 PMID: 25741868, with internal and published modifications).

NM_001008212.2(OPTN):c.435C>T (p.Thr145=)

Gene: OPTN (optineurin; plus strand). Cytogenetic location: 10p13.
Variant type: single nucleotide variant.
Coding change: c.435C>T on transcript NM_001008212.2 (MANE Select); coding-DNA position 435, C replaced by T.
Protein change: p.Thr145=; no amino-acid change (threonine 145 retained).
Molecular consequence: synonymous variant.
Genome position (GRCh38, 1-based): chr10:13,112,518, C>T. VCF-style: chr10-13112518-C-T. GRCh37 (hg19) VCF-style: chr10-13154518-C-T.
Other names: c.435C>T, p.Thr145= (NM_001008211.1, NM_001008213.1, NM_021980.4).
Identifiers: ClinVar variation 1551358 (VCV001551358.9), dbSNP rs1042488570, ClinGen allele CA203256912.